The following is an entry in ClinVar:

NM_001128225.3(SLC39A13):c.770A>G (p.His257Arg)

Gene: SLC39A13 (solute carrier family 39 member 13; plus strand). Cytogenetic location: 11p11.2.
Variant type: single nucleotide variant.
Coding change: c.770A>G on transcript NM_001128225.3 (MANE Select); coding-DNA position 770, A replaced by G.
Protein change: p.His257Arg; replaces histidine 257 with arginine.
Molecular consequence: missense variant. On other transcripts: non-coding transcript variant (1).
Genome position (GRCh38, 1-based): chr11:47,414,459, A>G. VCF-style: chr11-47414459-A-G. GRCh37 (hg19) VCF-style: chr11-47436010-A-G.
Other names: c.770A>G, p.His257Arg (NM_001330245.2, NM_001441271.1, NM_152264.5); c.662A>G, p.His221Arg (NM_001441272.1, NM_001441275.1, NM_001441276.1); c.680A>G, p.His227Arg (NM_001441273.1); c.572A>G, p.His191Arg (NM_001441274.1); short protein forms H191R, H221R, H227R, H257R.
Identifiers: ClinVar variation 4527066 (VCV004527066.1).

ClinVar aggregate classification (germline): Uncertain significance (1 of 4 stars; one submission).

Submission:

GeneDx
Classification: Uncertain significance. Last evaluated: 2025-04-22. Review status: criteria provided, single submitter. Criteria: GeneDx Variant Classification Process June 2021. Collection method: clinical testing. Allele origin: germline. Affected: yes.
Comment: Not observed at significant frequency in large population cohorts (gnomAD); In silico analysis supports that this missense variant has a deleterious effect on protein structure/function; Has not been previously published as pathogenic or benign to our knowledge